The following is an entry in ClinVar:

ClinVar aggregate classification (germline): Likely benign. Review status: criteria provided, multiple submitters, no conflicts (2 of 4 stars). 4 submissions from 4 submitters: Likely benign (3). 1 of the submissions does not count toward it. Last evaluated 2026-01-16.

Conditions:
SLC25A4-related disorder. Also called: SLC25A4-related condition.

Allele frequency attached by ClinVar (database versions not stated): ExAC 0.00001; gnomAD exomes 0.00001 and 0.00002; gnomAD 0.00003 and 0.00004; TOPMed 0.00005.
gnomAD v4.1: 12 of 1,614,024 alleles (0.00074%); highest among the groups gnomAD compares: Admixed American, 0.018%; no homozygotes.

Submissions (4):

Women's Health and Genetics/Laboratory Corporation of America, LabCorp
Classification: Likely benign. Last evaluated: 2026-01-16. Review status: criteria provided, single submitter. Criteria: LabCorp Variant Classification Summary - May 2015. Collection method: clinical testing. Allele origin: germline.

Labcorp Genetics (formerly Invitae), Labcorp
Classification: Likely benign. Last evaluated: 2025-09-22. Review status: criteria provided, single submitter. Criteria: Invitae Variant Classification Sherloc (09022015). Collection method: clinical testing. Allele origin: germline.

GeneDx
Classification: Likely benign. Last evaluated: 2020-11-09. Review status: criteria provided, single submitter. Criteria: GeneDx Variant Classification Process June 2021. Collection method: clinical testing. Allele origin: germline. Affected: yes.

PreventionGenetics, part of Exact Sciences
Classification: Likely benign for SLC25A4-related condition. Last evaluated: 2020-03-10. Review status: no assertion criteria provided. Collection method: clinical testing. Allele origin: germline. Not counted in ClinVar's aggregate classification.
Comment: This variant is classified as likely benign based on ACMG/AMP sequence variant interpretation guidelines (Richards et al. 2015 PMID: 25741868, with internal and published modifications).

NM_001151.4(SLC25A4):c.375C>T (p.Ala125=)

Gene: SLC25A4 (solute carrier family 25 member 4; plus strand). Cytogenetic location: 4q35.1.
Variant type: single nucleotide variant.
Coding change: c.375C>T on transcript NM_001151.4 (MANE Select); coding-DNA position 375, C replaced by T.
Protein change: p.Ala125=; no amino-acid change (alanine 125 retained).
Molecular consequence: synonymous variant.
Genome position (GRCh38, 1-based): chr4:185,145,027, C>T. VCF-style: chr4-185145027-C-T. GRCh37 (hg19) VCF-style: chr4-186066181-C-T.
Identifiers: ClinVar variation 390999 (VCV000390999.13), dbSNP rs780142859, ClinGen allele CA3156461.